The following is an entry in ClinVar:

NM_000521.4(HEXB):c.1051T>C (p.Leu351=)

Gene: HEXB (hexosaminidase subunit beta; plus strand). Cytogenetic location: 5q13.3.
Variant type: single nucleotide variant.
Coding change: c.1051T>C on transcript NM_000521.4 (MANE Select); coding-DNA position 1051, T replaced by C.
Protein change: p.Leu351=; no amino-acid change (leucine 351 retained).
Molecular consequence: synonymous variant.
Genome position (GRCh38, 1-based): chr5:74,715,659, T>C. VCF-style: chr5-74715659-T-C. GRCh37 (hg19) VCF-style: chr5-74011484-T-C.
Other names: p.Leu351=; c.376T>C, p.Leu126= (NM_001292004.2).
Identifiers: ClinVar variation 129223 (VCV000129223.59), dbSNP rs114661695, ClinGen allele CA153076.

ClinVar aggregate classification (germline): Benign/Likely benign. Review status: criteria provided, multiple submitters, no conflicts (2 of 4 stars). 10 submissions from 10 submitters: Benign (5); Likely benign (3). 2 of the submissions do not count toward it. Last evaluated 2026-09-01.

Conditions:
HEXB-related disorder. Also called: HEXB-related condition.
Sandhoff disease. Also called: GM2-GANGLIOSIDOSIS, TYPE II; HEXOSAMINIDASES A AND B DEFICIENCY; Beta-hexosaminidase-beta-subunit deficiency; GM2 gangliosidosis, type 2; Total hexosaminidase deficiency; Sandhoff-Jatzkewitz-Pilz disease. Identifiers: Orphanet 796, MedGen C0036161, MONDO:0010006, OMIM 268800.

Allele frequency attached by ClinVar (database versions not stated): 1000 Genomes Project 30x 0.00484; gnomAD 0.00596 and 0.00599; ESP Exome Variant Server 0.00600; TOPMed 0.00633; gnomAD exomes 0.00673 and 0.00815; ExAC 0.00683; 1000 Genomes Project 0.00439.
gnomAD v4.1: 12,830 of 1,608,682 alleles (0.8%); highest among the groups gnomAD compares: Middle Eastern, 1.9%; 86 homozygotes.

Submissions (10):

CeGaT Center for Human Genetics Tuebingen
Classification: Likely benign. Last evaluated: 2026-09-01. Review status: criteria provided, single submitter. Criteria: CeGaT Center For Human Genetics Tuebingen Variant Classification Criteria Version 2. Collection method: clinical testing. Allele origin: germline. Affected: yes. Observed: 42 variant alleles.
Comment: HEXB: BP4, BP7, BS2

Labcorp Genetics (formerly Invitae), Labcorp
Classification: Benign for Sandhoff disease. Last evaluated: 2026-02-04. Review status: criteria provided, single submitter. Criteria: Invitae Variant Classification Sherloc (09022015). Collection method: clinical testing. Allele origin: germline.

PreventionGenetics, part of Exact Sciences
Classification: Benign for HEXB-related condition. Last evaluated: 2025-11-19. Review status: criteria provided, single submitter. Criteria: ACMG Guidelines, 2015. Collection method: clinical testing. Allele origin: germline.
Comment: This variant is classified as benign based on ACMG/AMP sequence variant interpretation guidelines (Richards et al. 2015 PMID: 25741868, with internal and published modifications).

Mayo Clinic Laboratories, Mayo Clinic
Classification: Benign. Last evaluated: 2023-02-05. Review status: criteria provided, single submitter. Criteria: ACMG Guidelines, 2015. Collection method: clinical testing. Allele origin: germline. Observed: 22 variant alleles.
Comment: BS1, BS2, BP4, BP7

Genome-Nilou Lab
Classification: Benign for Sandhoff disease. Last evaluated: 2021-05-18. Review status: criteria provided, single submitter. Criteria: ACMG Guidelines, 2015. Collection method: clinical testing. Allele origin: germline. Affected: no.

GeneDx
Classification: Benign. Last evaluated: 2019-05-22. Review status: criteria provided, single submitter. Criteria: GeneDx Variant Classification Process June 2021. Collection method: clinical testing. Allele origin: germline. Affected: yes.

Illumina Laboratory Services, Illumina
Classification: Likely benign for Sandhoff disease. Last evaluated: 2018-01-12. Review status: criteria provided, single submitter. Criteria: ICSL Variant Classification Criteria 13 December 2019. Collection method: clinical testing. Allele origin: germline.
Comment: This variant was observed in the ICSL laboratory as part of a predisposition screen in an ostensibly healthy population. It had not been previously curated by ICSL or reported in the Human Gene Mutation Database (HGMD: prior to June 1st, 2018), and was therefore a candidate for classification through an automated scoring system. Utilizing variant allele frequency, disease prevalence and penetrance estimates, and inheritance mode, an automated score was calculated to assess if this variant is too frequent to cause the disease. Based on the score and internal cut-off values, a variant classified as likely benign is not then subjected to further curation. The score for this variant resulted in a classification of likely benign for this disease.

Breakthrough Genomics
Classification: Likely benign. Review status: criteria provided, single submitter. Criteria: ACMG Guidelines, 2015. Collection method: not provided. Allele origin: germline. Inheritance: Autosomal recessive inheritance. Affected: yes.

Natera, Inc.
Classification: Benign for Sandhoff disease. Last evaluated: 2020-09-16. Review status: no assertion criteria provided. Collection method: clinical testing. Allele origin: germline. Not counted in ClinVar's aggregate classification.

Genetic Services Laboratory, University of Chicago
Classification: Likely benign for AllHighlyPenetrant. Review status: no assertion criteria provided. Collection method: clinical testing. Allele origin: germline. Inheritance: Autosomal recessive inheritance. Not counted in ClinVar's aggregate classification.
Comment: Likely benign based on allele frequency in 1000 Genomes Project or ESP global frequency and its presence in a patient with a rare or unrelated disease phenotype. NOT Sanger confirmed.

Literature cited by the submitters: PubMed 24461908 (cited by Mayo Clinic Laboratories, Mayo Clinic).